The following is an entry in ClinVar:

ClinVar aggregate classification (germline): Pathogenic (1 of 4 stars; one submission).

Conditions:
Combined oxidative phosphorylation defect type 17. Also called: Combined oxidative phosphorylation deficiency 17. Identifiers: Orphanet 369913, MedGen C3809526, MONDO:0014190, OMIM 615440.

Submission:

Labcorp Genetics (formerly Invitae), Labcorp
Classification: Pathogenic for Combined oxidative phosphorylation defect type 17. Last evaluated: 2025-05-01. Review status: criteria provided, single submitter. Criteria: Invitae Variant Classification Sherloc (09022015). Collection method: clinical testing. Allele origin: germline.
Comment: This sequence change creates a premature translational stop signal (p.Trp115*) in the ELAC2 gene. It is expected to result in an absent or disrupted protein product. Loss-of-function variants in ELAC2 are known to be pathogenic (PMID: 27769300, 31045291). This variant is not present in population databases (gnomAD no frequency). This variant has not been reported in the literature in individuals affected with ELAC2-related conditions. For these reasons, this variant has been classified as Pathogenic.

Literature cited by the submitters: PubMed 27769300; PubMed 31045291.

NM_018127.7(ELAC2):c.345G>A (p.Trp115Ter)

Gene: ELAC2 (elaC ribonuclease Z 2; minus strand). Cytogenetic location: 17p12.
Variant type: single nucleotide variant.
Coding change: c.345G>A on transcript NM_018127.7 (MANE Select); coding-DNA position 345, G replaced by A.
Protein change: p.Trp115Ter; replaces tryptophan 115 with a stop codon.
Molecular consequence: nonsense.
Genome position (GRCh38, 1-based): chr17:13,016,884, C>T on the plus strand (G>A on the coding strand, the complement: ELAC2 is on the minus strand). VCF-style: chr17-13016884-C-T. GRCh37 (hg19) VCF-style: chr17-12920201-C-T.
Other names: c.345G>A, p.Trp115Ter (NM_001165962.2, NM_173717.2); short protein forms W115*.
Identifiers: ClinVar variation 4718749 (VCV004718749.1).